The following is an entry in ClinVar:

NM_024408.4(NOTCH2):c.2600-3T>C

Gene: NOTCH2 (notch receptor 2; minus strand). Cytogenetic location: 1p12.
Variant type: single nucleotide variant.
Coding change: c.2600-3T>C on transcript NM_024408.4 (MANE Select); 3 bases into the intron before coding-DNA position 2600, T replaced by C.
Molecular consequence: intron variant.
Genome position (GRCh38, 1-based): chr1:119,948,569, A>G on the plus strand (T>C on the coding strand, the complement: NOTCH2 is on the minus strand). VCF-style: chr1-119948569-A-G. GRCh37 (hg19) VCF-style: chr1-120491192-A-G.
Other names: c.2600-3T>C (NM_001200001.2).
Identifiers: ClinVar variation 2771475 (VCV002771475.3), dbSNP rs2526232352, ClinGen allele CA2697554503.
Genomic context (GRCh38, chr1:119,948,569, plus strand): 5'-CCATGGTTCATGCAGGGCTTGGAGATACACTCGTCAATGTCAATGGTACACCGCTGACCT[A>G]GGAACACAGGGCCAATAAATGACCTAGTCCTTGGAAGCTGATTCCCACAAAAATCTACGC-3'

ClinVar aggregate classification (germline): Uncertain significance (1 of 4 stars; one submission).

Conditions:
Hajdu-Cheney syndrome (HJCYS). Also called: SERPENTINE FIBULA-POLYCYSTIC KIDNEY SYNDROME; ACROOSTEOLYSIS WITH OSTEOPOROSIS AND CHANGES IN SKULL AND MANDIBLE; Acroosteolysis dominant type. Identifiers: Orphanet 955, MedGen C0917715, MONDO:0007057, OMIM 102500.

Submission:

Labcorp Genetics (formerly Invitae), Labcorp
Classification: Uncertain significance for Hajdu-Cheney syndrome. Last evaluated: 2023-10-24. Review status: criteria provided, single submitter. Criteria: Invitae Variant Classification Sherloc (09022015). Collection method: clinical testing. Allele origin: germline.
Comment: This sequence change falls in intron 16 of the NOTCH2 gene. It does not directly change the encoded amino acid sequence of the NOTCH2 protein. It affects a nucleotide within the consensus splice site. This variant is not present in population databases (gnomAD no frequency). This variant has not been reported in the literature in individuals affected with NOTCH2-related conditions. Variants that disrupt the consensus splice site are a relatively common cause of aberrant splicing (PMID: 17576681, 9536098). Algorithms developed to predict the effect of sequence changes on RNA splicing suggest that this variant is not likely to affect RNA splicing. In summary, the available evidence is currently insufficient to determine the role of this variant in disease. Therefore, it has been classified as a Variant of Uncertain Significance.

Literature cited by the submitters: PubMed 17576681; PubMed 9536098.